The following is an entry in ClinVar:

NM_004826.4(ECEL1):c.1783_1788del (p.Pro595_Asp596del)

Gene: ECEL1 (endothelin converting enzyme like 1; minus strand). Cytogenetic location: 2q37.1.
Variant type: Deletion.
Coding change: c.1783_1788del on transcript NM_004826.4 (MANE Select); coding-DNA positions 1783 to 1788, 6 bases deleted (CCTGAC; older notation c.1783_1788delCCTGAC).
Protein change: p.Pro595_Asp596del.
Molecular consequence: inframe deletion.
Genome position (GRCh38, 1-based): chr2:232,482,426-232,482,431, GTCAGG deleted on the plus strand (CCTGAC on the coding strand, the reverse complement: ECEL1 is on the minus strand); deleting any 6 consecutive bases within chr2:232,482,426-232,482,434 gives the same sequence; the c. name uses the placement nearest the transcript's 3' end. VCF-style (leftmost placement, unchanged base first): chr2-232482425-AGTCAGG-A. GRCh37 (hg19) VCF-style: chr2-233347135-AGTCAGG-A.
Other names: c.1777_1782del, p.Pro593_Asp594del (NM_001290787.2).
Identifiers: ClinVar variation 3254762 (VCV003254762.1), dbSNP rs2469640929.

ClinVar aggregate classification (germline): Likely pathogenic (1 of 4 stars; one submission).

Conditions:
Distal arthrogryposis type 5D (DA5D). Identifiers: Orphanet 329457, MedGen C3554415, MONDO:0014028, OMIM 615065.

Submission:

Victorian Clinical Genetics Services, Murdoch Childrens Research Institute
Classification: Likely pathogenic for Distal arthrogryposis type 5D. Last evaluated: 2023-07-17. Review status: criteria provided, single submitter. Criteria: ACMG Guidelines, 2015. Collection method: clinical testing. Allele origin: germline. Inheritance: Autosomal recessive inheritance. Affected: yes.
Comment: Based on the classification scheme VCGS_Germline_v1.3.4, this variant is classified as Likely pathogenic. Following criteria are met: 0102 - Loss of function is a likely mechanism of disease in this gene and is associated with distal arthrogryposis, type 5D (MIM#615065). (I) 0106 - This gene is associated with autosomal recessive disease. (I) 0216 - In-frame deletion in a non-repetitive region that has moderate conservation. (SP) 0251 - This variant is heterozygous. (I) 0301 - Variant is absent from gnomAD (both v2 and v3). (SP) 0600 - Variant is located in the annotated peptidase_M13 domain (DECIPHER). (I) 0705 - No comparable in-frame deletion variants have previous evidence for pathogenicity. (I) 0807 - This variant has no previous evidence of pathogenicity. (I) 0905 - No published segregation evidence has been identified for this variant. (I) 1007 - No published functional evidence has been identified for this variant. (I) 1102 - Strong phenotype match for this individual. (SP) 1201 - Heterozygous variant detected in trans with a heterozygous pathogenic variant, NM_004826.3(ECEL1):c.110_155del; p.(Phe37Cysfs*151), in a recessive disease. (I) Legend: (SP) - Supporting pathogenic, (I) - Information, (SB) - Supporting benign